The following is an entry in ClinVar:

NM_004415.4(DSP):c.8391C>A (p.Ile2797=)

Gene: DSP (desmoplakin; plus strand). Cytogenetic location: 6p24.3.
Variant type: single nucleotide variant.
Coding change: c.8391C>A on transcript NM_004415.4 (MANE Select); coding-DNA position 8391, C replaced by A.
Protein change: p.Ile2797=; no amino-acid change (isoleucine 2797 retained).
Molecular consequence: synonymous variant.
Genome position (GRCh38, 1-based): chr6:7,585,653, C>A. VCF-style: chr6-7585653-C-A. GRCh37 (hg19) VCF-style: chr6-7585886-C-A.
Other names: c.8391C>A (NM_004415.2); c.6594C>A, p.Ile2198= (NM_001008844.3); c.7062C>A, p.Ile2354= (NM_001319034.2).
Identifiers: ClinVar variation 1130660 (VCV001130660.12), dbSNP rs372909009, ClinGen allele CA052184.

ClinVar aggregate classification (germline): Likely benign. Review status: criteria provided, multiple submitters, no conflicts (2 of 4 stars). 4 submissions from 4 submitters: Likely benign (4). Last evaluated 2025-04-12.

Conditions:
Cardiomyopathy (CMYO). Also called: Cardiomyopathies. Identifiers: Orphanet 167848, MedGen C0878544, MONDO:0004994, HP:0001638. Inheritance: Various modes of inheritance.
Cardiovascular phenotype. Identifiers: MedGen CN230736.
Arrhythmogenic cardiomyopathy with wooly hair and keratoderma. Also called: Dilated cardiomyopathy with woolly hair and keratoderma; Arrhythmogenic cardiomyopathy with woolly hair and keratoderma; PALMOPLANTAR KERATODERMA WITH LEFT VENTRICULAR CARDIOMYOPATHY AND WOOLLY HAIR; Carvajal syndrome. Identifiers: Orphanet 65282, MedGen C1854063, MONDO:0011581, OMIM 605676.
Arrhythmogenic right ventricular dysplasia 8 (ARVD8). Also called: Arrhythmogenic Right Ventricular Dysplasia/Cardiomyopathy 8; ARRHYTHMOGENIC RIGHT VENTRICULAR CARDIOMYOPATHY 8; ARRHYTHMOGENIC RIGHT VENTRICULAR DYSPLASIA, FAMILIAL, 8. Identifiers: MedGen C1843896, MONDO:0011831, OMIM 607450.

Allele frequency attached by ClinVar (database versions not stated): TOPMed below 0.00001; ExAC 0.00001; ESP Exome Variant Server 0.00008.
gnomAD v4.1: 6 of 1,614,232 alleles (0.00037%); highest among the groups gnomAD compares: South Asian, 0.0011%; no homozygotes.

Submissions (4):

Ambry Genetics
Classification: Likely benign for Cardiovascular phenotype. Last evaluated: 2025-04-12. Review status: criteria provided, single submitter. Criteria: Ambry Variant Classification Scheme 2023. Collection method: clinical testing. Allele origin: germline.

Labcorp Genetics (formerly Invitae), Labcorp
Classification: Likely benign for Arrhythmogenic cardiomyopathy with wooly hair and keratoderma; Arrhythmogenic right ventricular dysplasia 8. Last evaluated: 2024-10-31. Review status: criteria provided, single submitter. Criteria: Invitae Variant Classification Sherloc (09022015). Collection method: clinical testing. Allele origin: germline.

All of Us Research Program, National Institutes of Health
Classification: Likely benign for Arrhythmogenic cardiomyopathy with wooly hair and keratoderma. Last evaluated: 2023-09-17. Review status: criteria provided, single submitter. Criteria: ACMG Guidelines, 2015. Collection method: clinical testing. Allele origin: germline. Inheritance: Autosomal dominant inheritance. Observed: 2 variant alleles, 2 heterozygotes.
Comment: This study involves interpretation of variants in research participants for the purpose of population health screening. Participant phenotype was not available at the time of variant classification. Additional details can be found in publication PMID: 35346344, PMCID: PMC8962531

Color Diagnostics, LLC DBA Color Health
Classification: Likely benign for Cardiomyopathy. Last evaluated: 2022-11-06. Review status: criteria provided, single submitter. Criteria: ACMG Guidelines, 2015. Collection method: clinical testing. Allele origin: germline.